The following is an entry in ClinVar:

NM_006493.4(CLN5):c.*1279G>C

Gene: CLN5 (CLN5 lysosomal BMP synthase; plus strand). Cytogenetic location: 13q22.3.
Variant type: single nucleotide variant.
Coding change: c.*1279G>C on transcript NM_006493.4 (MANE Select); 1279 bases downstream of the stop codon, G replaced by C.
Molecular consequence: 3 prime UTR variant.
Genome position (GRCh38, 1-based): chr13:77,002,248, G>C. VCF-style: chr13-77002248-G-C. GRCh37 (hg19) VCF-style: chr13-77576383-G-C.
Other names: c.*1279G>C (LRG_692t1); c.*1805G>C (NM_001366624.2).
Identifiers: ClinVar variation 312441 (VCV000312441.7), dbSNP rs9635010, ClinGen allele CA10644804.

ClinVar aggregate classification (germline): Benign/Likely benign. Review status: criteria provided, multiple submitters, no conflicts (2 of 4 stars). 2 submissions from 2 submitters: Benign (1); Likely benign (1). Last evaluated 2018-01-13.

Conditions:
Neuronal ceroid lipofuscinosis 5 (CLN5). Also called: CEROID LIPOFUSCINOSIS, NEURONAL, 5, VARIABLE AGE AT ONSET; Neuronal ceroid lipofuscinosis Finnish variant; NEURONAL CEROID LIPOFUSCINOSIS, LATE INFANTILE, FINNISH VARIANT; CLN5-Related Neuronal Ceroid-Lipofuscinosis. Identifiers: Orphanet 168491, Orphanet 228360, MedGen C1850442, MONDO:0009745, OMIM 256731.

Allele frequency attached by ClinVar (database versions not stated): gnomAD 0.04936 and 0.05274; TOPMed 0.05972; 1000 Genomes Project 30x 0.08713; 1000 Genomes Project 0.09165.

Submissions (2):

Illumina Laboratory Services, Illumina
Classification: Benign for Neuronal ceroid lipofuscinosis 5. Last evaluated: 2018-01-13. Review status: criteria provided, single submitter. Criteria: ICSL Variant Classification Criteria 13 December 2019. Collection method: clinical testing. Allele origin: germline.
Comment: This variant was observed in the ICSL laboratory as part of a predisposition screen in an ostensibly healthy population. It had not been previously curated by ICSL or reported in the Human Gene Mutation Database (HGMD: prior to June 1st, 2018), and was therefore a candidate for classification through an automated scoring system. Utilizing variant allele frequency, disease prevalence and penetrance estimates, and inheritance mode, an automated score was calculated to assess if this variant is too frequent to cause the disease. Based on the score and internal cut-off values, a variant classified as benign is not then subjected to further curation. The score for this variant resulted in a classification of benign for this disease.

Breakthrough Genomics
Classification: Likely benign. Review status: criteria provided, single submitter. Criteria: ACMG Guidelines, 2015. Collection method: not provided. Allele origin: germline. Inheritance: Autosomal recessive inheritance. Affected: yes.